The following is an entry in ClinVar:

NM_003482.4(KMT2D):c.15785-10T>G

Gene: KMT2D (lysine methyltransferase 2D; minus strand). Cytogenetic location: 12q13.12.
Variant type: single nucleotide variant.
Coding change: c.15785-10T>G on transcript NM_003482.4 (MANE Select); 10 bases into the intron before coding-DNA position 15785, T replaced by G.
Molecular consequence: intron variant.
Genome position (GRCh38, 1-based): chr12:49,024,956, A>C on the plus strand (T>G on the coding strand, the complement: KMT2D is on the minus strand). VCF-style: chr12-49024956-A-C. GRCh37 (hg19) VCF-style: chr12-49418739-A-C.
Identifiers: ClinVar variation 489237 (VCV000489237.2), dbSNP rs1555185358, ClinGen allele CA658683788.

ClinVar aggregate classification (germline): Likely pathogenic (1 of 4 stars; one submission).

Submission:

GeneDx
Classification: Likely pathogenic. Last evaluated: 2018-01-08. Review status: criteria provided, single submitter. Criteria: GeneDx Variant Classification (06012015). Collection method: clinical testing. Allele origin: germline. Affected: yes.
Comment: The c.15785-10T>G variant in the KMT2D gene has not been reported previously as a pathogenic variant nor as a benign variant, to our knowledge. This variant reduces the quality of the splice acceptor site in intron 48, and is expected to cause abnormal gene splicing. The c.15785-10T>G variant is not observed in large population cohorts (Lek et al., 2016). We interpret c.15785-10T>G as a likely pathogenic variant.